The following is an entry in ClinVar:

NM_145207.3(AFG2A):c.2079+6_2079+7delinsAG

Gene: AFG2A (AAA ATPase AFG2A; plus strand). Cytogenetic location: 4q28.1.
Variant type: Indel.
Coding change: c.2079+6_2079+7delinsAG on transcript NM_145207.3 (MANE Select); bases 6 to 7 of the intron after coding-DNA position 2079, GT replaced by AG.
Molecular consequence: intron variant. On other transcripts: missense variant (1).
Genome position (GRCh38, 1-based): chr4:123,028,401-123,028,402, GT replaced by AG. VCF-style: chr4-123028401-GT-AG. GRCh37 (hg19) VCF-style: chr4-123949556-GT-AG.
Other names: c.2082_2083delinsAG, p.Cys695Gly (NM_001317799.2); c.2076+6_2076+7delinsAG (NM_001345856.2); short protein forms C695G.
Identifiers: ClinVar variation 2193328 (VCV002193328.3), dbSNP rs2478025287, ClinGen allele CA2580071458.

ClinVar aggregate classification (germline): Uncertain significance (1 of 4 stars; one submission).

Conditions:
Microcephaly-intellectual disability-sensorineural hearing loss-epilepsy-abnormal muscle tone syndrome (NEDHSB). Also called: NEURODEVELOPMENTAL DISORDER WITH HEARING LOSS, SEIZURES, AND BRAIN ABNORMALITIES. Identifiers: Orphanet 457351, MedGen C4225276, MONDO:0014698, OMIM 616577.

Submission:

Labcorp Genetics (formerly Invitae), Labcorp
Classification: Uncertain significance for Microcephaly-intellectual disability-sensorineural hearing loss-epilepsy-abnormal muscle tone syndrome. Last evaluated: 2021-12-18. Review status: criteria provided, single submitter. Criteria: Invitae Variant Classification Sherloc (09022015). Collection method: clinical testing. Allele origin: germline.
Comment: Information on the frequency of this variant in the gnomAD database is not available, as this variant may be reported differently in the database. In summary, the available evidence is currently insufficient to determine the role of this variant in disease. Therefore, it has been classified as a Variant of Uncertain Significance. Variants that disrupt the consensus splice site are a relatively common cause of aberrant splicing (PMID: 17576681, 9536098). Algorithms developed to predict the effect of sequence changes on RNA splicing suggest that this variant may create or strengthen a splice site. This variant has not been reported in the literature in individuals affected with SPATA5-related conditions. This sequence change falls in intron 11 of the SPATA5 gene. It does not directly change the encoded amino acid sequence of the SPATA5 protein. It affects a nucleotide within the consensus splice site.

Literature cited by the submitters: PubMed 17576681; PubMed 9536098.